The following is an entry in ClinVar:

ClinVar aggregate classification (germline): Uncertain significance. Review status: criteria provided, multiple submitters, no conflicts (2 of 4 stars). 2 submissions from 2 submitters: Uncertain significance (2). Last evaluated 2022-03-09.

Conditions:
Arrhythmogenic right ventricular dysplasia 5. Also called: Arrhythmogenic Right Ventricular Dysplasia/Cardiomyopathy 5; ARRHYTHMOGENIC RIGHT VENTRICULAR DYSPLASIA, FAMILIAL, 5. Identifiers: MedGen C1858379, MONDO:0011459, OMIM 604400.
Emery-Dreifuss muscular dystrophy 7, autosomal dominant (EDMD7). Also called: Emery-Dreifuss muscular dystrophy 7, AD. Identifiers: Orphanet 261, MedGen C3553060, MONDO:0013677, OMIM 614302.

Submissions (2):

Labcorp Genetics (formerly Invitae), Labcorp
Classification: Uncertain significance for Arrhythmogenic right ventricular dysplasia 5. Last evaluated: 2022-03-09. Review status: criteria provided, single submitter. Criteria: Invitae Variant Classification Sherloc (09022015). Collection method: clinical testing. Allele origin: germline.
Comment: In summary, the available evidence is currently insufficient to determine the role of this variant in disease. Therefore, it has been classified as a Variant of Uncertain Significance. Algorithms developed to predict the effect of missense changes on protein structure and function are either unavailable or do not agree on the potential impact of this missense change (SIFT: "Deleterious"; PolyPhen-2: "Probably Damaging"; Align-GVGD: "Class C0"). ClinVar contains an entry for this variant (Variation ID: 534758). This variant has not been reported in the literature in individuals affected with TMEM43-related conditions. This variant is not present in population databases (gnomAD no frequency). This sequence change replaces glycine, which is neutral and non-polar, with valine, which is neutral and non-polar, at codon 322 of the TMEM43 protein (p.Gly322Val).

HudsonAlpha Institute for Biotechnology
Classification: Uncertain significance for Emery-Dreifuss muscular dystrophy 7, autosomal dominant. Last evaluated: 2021-09-24. Review status: criteria provided, single submitter. Criteria: ACMG Guidelines, 2015. Collection method: research. Allele origin: unknown. Observed: 1 variant allele. Study: HudsonAlpha-AGHI-WGS.
Comment: ACMG codes: PM2, PP3

NM_024334.3(TMEM43):c.965G>T (p.Gly322Val)

Gene: TMEM43 (transmembrane protein 43; plus strand). Cytogenetic location: 3p25.1.
Variant type: single nucleotide variant.
Coding change: c.965G>T on transcript NM_024334.3 (MANE Select); coding-DNA position 965, G replaced by T.
Protein change: p.Gly322Val; replaces glycine 322 with valine.
Molecular consequence: missense variant.
Genome position (GRCh38, 1-based): chr3:14,139,262, G>T. VCF-style: chr3-14139262-G-T. GRCh37 (hg19) VCF-style: chr3-14180762-G-T.
Other names: short protein forms G322V.
Identifiers: ClinVar variation 534758 (VCV000534758.11), dbSNP rs1553603462, ClinGen allele CA351536258.